The following is an entry in ClinVar:

NM_005960.2(MUC3A):c.9285C>T (p.Ser3095=)

Gene: MUC3A (mucin 3A, cell surface associated; plus strand). Cytogenetic location: 7q22.1.
Variant type: single nucleotide variant.
Coding change: c.9285C>T on transcript NM_005960.2 (MANE Select); coding-DNA position 9285, C replaced by T.
Protein change: p.Ser3095=; no amino-acid change (serine 3095 retained).
Molecular consequence: synonymous variant.
Genome position (GRCh38, 1-based): chr7:100,964,746, C>T. VCF-style: chr7-100964746-C-T. GRCh37 (hg19) VCF-style: chr7-100607797-C-T.
Identifiers: ClinVar variation 5038484 (VCV005038484.1).
Genomic context (GRCh38, chr7:100,964,746, plus strand): 5'-ACCCCTCAGGAATGGCAGCATCGTGGTGGACTACCTGGTCCTGCTGGAGATGCCCTTCAG[C>T]CCCCAGCTGGAGAGCGAGTATGAGCAGGTGAAGACCACGCTGAAGGAGGGGCTGCAGAAC-3'
Protein context (NP_005951.1, residues 3085-3105): DYLVLLEMPF[Ser3095=]PQLESEYEQV

ClinVar aggregate classification (germline): Likely benign (1 of 4 stars; one submission).

gnomAD v4.1: 29,950 of 1,585,346 alleles (1.9%); highest among the groups gnomAD compares: Non-Finnish European, 2.2%; no homozygotes.

Submission:

CeGaT Center for Human Genetics Tuebingen
Classification: Likely benign. Last evaluated: 2026-07-01. Review status: criteria provided, single submitter. Criteria: CeGaT Center For Human Genetics Tuebingen Variant Classification Criteria Version 2. Collection method: clinical testing. Allele origin: germline. Affected: yes. Observed: 1 variant allele.
Comment: MUC3A: BP4, BP7